The following is an entry in ClinVar:

NM_001127644.2(GABRA1):c.1019G>C (p.Arg340Thr)

Gene: GABRA1 (gamma-aminobutyric acid type A receptor subunit alpha1; plus strand). Cytogenetic location: 5q34.
Variant type: single nucleotide variant.
Coding change: c.1019G>C on transcript NM_001127644.2 (MANE Select); coding-DNA position 1019, G replaced by C.
Protein change: p.Arg340Thr; replaces arginine 340 with threonine.
Molecular consequence: missense variant.
Genome position (GRCh38, 1-based): chr5:161,895,828, G>C. VCF-style: chr5-161895828-G-C. GRCh37 (hg19) VCF-style: chr5-161322834-G-C.
Other names: c.1019G>C, p.Arg340Thr (NM_000806.5, NM_001127643.2, NM_001127645.2 and 1 more transcripts); short protein forms R340T.
Identifiers: ClinVar variation 3239417 (VCV003239417.19), dbSNP rs773775590.

ClinVar aggregate classification (germline): Uncertain significance (1 of 4 stars; one submission).

Submission:

CeGaT Center for Human Genetics Tuebingen
Classification: Uncertain significance. Last evaluated: 2024-05-01. Review status: criteria provided, single submitter. Criteria: CeGaT Center For Human Genetics Tuebingen Variant Classification Criteria Version 2. Collection method: clinical testing. Allele origin: germline. Affected: yes. Observed: 1 variant allele.
Comment: GABRA1: PM2, PP2, PP3